The following is an entry in ClinVar:

ClinVar aggregate classification (germline): Uncertain significance. Review status: criteria provided, multiple submitters, no conflicts (2 of 4 stars). 7 submissions from 7 submitters: Uncertain significance (7). Last evaluated 2026-01-19.

Conditions:
Familial ovarian cancer. Identifiers: MedGen C5679802, MONDO:0016248.
Familial cancer of breast. Also called: Hereditary breast cancer; hereditary breast carcinoma; BREAST CANCER, FAMILIAL. Identifiers: Orphanet 227535, MedGen C0346153, MONDO:0016419, OMIM 114480. Disease mechanism: loss of function.
Fanconi anemia complementation group J. Also called: BRIP1-Related Fanconi Anemia. Identifiers: Orphanet 84, MedGen C1836860, MONDO:0012187, OMIM 609054.
Hereditary cancer-predisposing syndrome. Also called: Neoplastic Syndromes, Hereditary; Hereditary Cancer Syndrome; Hereditary neoplastic syndrome; Tumor predisposition. Identifiers: Orphanet 140162, MedGen C0027672, MeSH D009386, MONDO:0015356.

Allele frequency attached by ClinVar (database versions not stated): TOPMed below 0.00001; gnomAD 0.00001; gnomAD exomes 0.00003.
gnomAD v4.1: 48 of 1,613,900 alleles (0.003%); highest among the groups gnomAD compares: Non-Finnish European, 0.004%; no homozygotes.

Submissions (7):

Labcorp Genetics (formerly Invitae), Labcorp
Classification: Uncertain significance for Familial cancer of breast; Fanconi anemia complementation group J. Last evaluated: 2026-01-19. Review status: criteria provided, single submitter. Criteria: Invitae Variant Classification Sherloc (09022015). Collection method: clinical testing. Allele origin: germline.
Comment: This sequence change replaces tyrosine, which is neutral and polar, with histidine, which is basic and polar, at codon 369 of the BRIP1 protein (p.Tyr369His). This variant is not present in population databases (gnomAD no frequency). This missense change has been observed in individual(s) with breast cancer or colorectal cancer (PMID: 26921362, 28135145). ClinVar contains an entry for this variant (Variation ID: 140858). Invitae Evidence Modeling of protein sequence and biophysical properties (such as structural, functional, and spatial information, amino acid conservation, physicochemical variation, residue mobility, and thermodynamic stability) has been performed for this missense variant. However, the output from this modeling did not meet the statistical confidence thresholds required to predict the impact of this variant on BRIP1 protein function. In summary, the available evidence is currently insufficient to determine the role of this variant in disease. Therefore, it has been classified as a Variant of Uncertain Significance.

Ambry Genetics
Classification: Uncertain significance for Hereditary cancer-predisposing syndrome. Last evaluated: 2025-06-22. Review status: criteria provided, single submitter. Criteria: Ambry Variant Classification Scheme 2023. Collection method: clinical testing. Allele origin: germline.
Comment: The p.Y369H variant (also known as c.1105T>C), located in coding exon 7 of the BRIP1 gene, results from a T to C substitution at nucleotide position 1105. The tyrosine at codon 369 is replaced by histidine, an amino acid with similar properties. In one study, this alteration was detected in a heterozygous state in 1/16379 breast cancer cases and 1/8366 controls (Easton DF et al. J. Med. Genet., 2016 05;53:298-309). Additionally, this alteration was detected in a heterozygous state in 1/1058 unselected patients with colorectal cancer (Yurgelun MB et al. J. Clin. Oncol., 2017 Apr;35:1086-1095). This amino acid position is highly conserved in available vertebrate species. In addition, this alteration is predicted to be deleterious by in silico analysis. Since supporting evidence is limited at this time, the clinical significance of this alteration remains unclear.

Molecular Pathology, Peter Maccallum Cancer Centre
Classification: Uncertain significance for Familial ovarian cancer. Last evaluated: 2025-02-26. Review status: criteria provided, single submitter. Criteria: ACMG Guidelines, 2015. Collection method: clinical testing. Allele origin: germline. Inheritance: Autosomal dominant inheritance.

Baylor Genetics
Classification: Uncertain significance for Familial cancer of breast. Last evaluated: 2023-10-22. Review status: criteria provided, single submitter. Criteria: ACMG Guidelines, 2015. Collection method: clinical testing. Allele origin: unknown.

Fulgent Genetics
Classification: Uncertain significance for Familial cancer of breast; Fanconi anemia complementation group J. Last evaluated: 2022-01-14. Review status: criteria provided, single submitter. Criteria: ACMG Guidelines, 2015. Collection method: clinical testing. Allele origin: unknown.

GeneDx
Classification: Uncertain significance. Last evaluated: 2021-01-18. Review status: criteria provided, single submitter. Criteria: GeneDx Variant Classification Process June 2021. Collection method: clinical testing. Allele origin: germline. Affected: yes.
Comment: Not observed in large population cohorts (Lek et al., 2016); In silico analysis supports that this missense variant has a deleterious effect on protein structure/function; This variant is associated with the following publications: (PMID: 28135145, 26921362, 25344691)

Color Diagnostics, LLC DBA Color Health
Classification: Uncertain significance for Hereditary cancer-predisposing syndrome. Last evaluated: 2019-04-04. Review status: criteria provided, single submitter. Criteria: ACMG Guidelines, 2015. Collection method: clinical testing. Allele origin: germline.

Literature cited by the submitters: PubMed 26921362 (cited by Labcorp Genetics (formerly Invitae), Labcorp and Ambry Genetics); PubMed 28135145 (cited by Labcorp Genetics (formerly Invitae), Labcorp and Ambry Genetics).

NM_032043.3(BRIP1):c.1105T>C (p.Tyr369His)

Gene: BRIP1 (BRCA1 interacting DNA helicase 1; minus strand). Cytogenetic location: 17q23.2.
Variant type: single nucleotide variant.
Coding change: c.1105T>C on transcript NM_032043.3 (MANE Select); coding-DNA position 1105, T replaced by C.
Protein change: p.Tyr369His; replaces tyrosine 369 with histidine.
Molecular consequence: missense variant.
Genome position (GRCh38, 1-based): chr17:61,801,288, A>G on the plus strand (T>C on the coding strand, the complement: BRIP1 is on the minus strand). VCF-style: chr17-61801288-A-G. GRCh37 (hg19) VCF-style: chr17-59878649-A-G.
Other names: short protein forms Y369H.
Identifiers: ClinVar variation 140858 (VCV000140858.24), dbSNP rs587781325, ClinGen allele CA163753.